The following is an entry in ClinVar:

NM_014633.5(CTR9):c.74C>G (p.Pro25Arg)

Gene: CTR9 (CTR9 homolog, Paf1/RNA polymerase II complex component; plus strand). Cytogenetic location: 11p15.4.
Variant type: single nucleotide variant.
Coding change: c.74C>G on transcript NM_014633.5 (MANE Select); coding-DNA position 74, C replaced by G.
Protein change: p.Pro25Arg; replaces proline 25 with arginine.
Molecular consequence: missense variant.
Genome position (GRCh38, 1-based): chr11:10,752,700, C>G. VCF-style: chr11-10752700-C-G. GRCh37 (hg19) VCF-style: chr11-10774247-C-G.
Other names: c.74C>G, p.Pro25Arg (NM_001346279.2); c.74C>G (NM_014633.3); short protein forms P25R.
Identifiers: ClinVar variation 1173026 (VCV001173026.3), dbSNP rs2135353126, ClinGen allele CA379675027.

ClinVar aggregate classification (germline): Pathogenic/Likely pathogenic. Review status: criteria provided, multiple submitters, no conflicts (2 of 4 stars). 2 submissions from 2 submitters: Pathogenic (1); Likely pathogenic (1). Last evaluated 2024-02-15.

Conditions:
CTR9-related neurodevelopmental disorder. Identifiers: MedGen CN378764, MONDO:1040006.
Inborn genetic diseases. Identifiers: MedGen C0950123, MeSH D030342.

Submissions (2):

Ambry Genetics
Classification: Pathogenic for Inborn genetic diseases. Last evaluated: 2024-02-15. Review status: criteria provided, single submitter. Criteria: Ambry Variant Classification Scheme 2023. Collection method: clinical testing. Allele origin: germline.
Comment: The c.74C>G (p.P25R) alteration is located in exon 2 (coding exon 2) of the CTR9 gene. This alteration results from a C to G substitution at nucleotide position 74, causing the proline (P) at amino acid position 25 to be replaced by an arginine (R). This variant was not reported in population-based cohorts in the Genome Aggregation Database (gnomAD). This variant has been determined to be the result of a de novo mutation in multiple individuals with developmental delays and other features consistent with CTR9-related neurodevelopmental disorder (Suzuki, 2022; Meuwissen, 2022; Hamanaka, 2022). This amino acid position is highly conserved in available vertebrate species. This missense alteration is located in a region that has a low rate of benign missense variation (Lek, 2016; Firth, 2009). The in silico prediction for this alteration is inconclusive. Based on the available evidence, this alteration is classified as pathogenic.

Centre of Medical Genetics, University of Antwerp
Classification: Likely pathogenic for CTR9-related neurodevelopmental disorder. Last evaluated: 2021-04-01. Review status: criteria provided, single submitter. Criteria: ACMG Guidelines, 2015. Collection method: research. Allele origin: de novo. Affected: yes.
Comment: PS2, PM2, PP3

Literature cited by the submitters: PubMed 35468861 (cited by Ambry Genetics); PubMed 35499524 (cited by Ambry Genetics); PubMed 35717577 (cited by Ambry Genetics).